The following is an entry in ClinVar:

NM_000059.4(BRCA2):c.3904A>G (p.Thr1302Ala)

Gene: BRCA2 (BRCA2 DNA repair associated; plus strand). Cytogenetic location: 13q13.1.
Variant type: single nucleotide variant.
Coding change: c.3904A>G on transcript NM_000059.4 (MANE Select); coding-DNA position 3904, A replaced by G.
Protein change: p.Thr1302Ala; replaces threonine 1302 with alanine.
Molecular consequence: missense variant.
Genome position (GRCh38, 1-based): chr13:32,338,259, A>G. VCF-style: chr13-32338259-A-G. GRCh37 (hg19) VCF-style: chr13-32912396-A-G.
Other names: short protein forms T1302A.
Identifiers: ClinVar variation 142030 (VCV000142030.29), dbSNP rs543339423, ClinGen allele CA019114.

ClinVar aggregate classification (germline): Conflicting classifications of pathogenicity. Review status: criteria provided, conflicting classifications (1 of 4 stars). 8 submissions from 8 submitters: Uncertain significance (5); Likely benign (2). 1 of the submissions does not count toward it. Last evaluated 2025-06-23.

Conditions:
BRCA2-related disorder. Also called: BRCA2-related condition; BRCA2-related disorders. Identifiers: MedGen CN239275.
Hereditary cancer-predisposing syndrome. Also called: Neoplastic Syndromes, Hereditary; Hereditary Cancer Syndrome; Hereditary neoplastic syndrome; Tumor predisposition. Identifiers: Orphanet 140162, MedGen C0027672, MeSH D009386, MONDO:0015356.
Hereditary breast ovarian cancer syndrome. Also called: Hereditary breast and ovarian cancer syndrome; Hereditary breast and/or ovarian cancer syndrome; BRCA1- and BRCA2-Associated Hereditary Breast and Ovarian Cancer; Hereditary breast and ovarian cancer; Breast and ovarian cancer; Hereditary breast and ovarian cancer syndrome (HBOC). Identifiers: Orphanet 145, MedGen C0677776, MeSH D061325, MONDO:0003582. Disease mechanism: loss of function.
Breast-ovarian cancer, familial, susceptibility to, 2 (BROVCA2). Also called: BRCA2 Hereditary Breast and Ovarian Cancer. Identifiers: Orphanet 145, MedGen C2675520, MONDO:0012933, OMIM 612555. Disease mechanism: loss of function.

Allele frequency attached by ClinVar (database versions not stated): gnomAD 0.00001; TOPMed 0.00001.
gnomAD v4.1: 3 of 1,560,942 alleles (0.00019%); highest among the groups gnomAD compares: South Asian, 0.0012%; no homozygotes.

Submissions (8):

Women's Health and Genetics/Laboratory Corporation of America, LabCorp
Classification: Uncertain significance. Last evaluated: 2025-06-23. Review status: criteria provided, single submitter. Criteria: LabCorp Variant Classification Summary - May 2015. Collection method: clinical testing. Allele origin: germline.
Comment: Variant summary: BRCA2 c.3904A>G (p.Thr1302Ala) results in a non-conservative amino acid change in the encoded protein sequence. Algorithms developed to predict the effect of missense changes on protein structure and function are either unavailable or do not agree on the potential impact of this missense change. The variant was absent in 207858 control chromosomes (gnomAD). The available data on variant occurrences in the general population are insufficient to allow any conclusion about variant significance. c.3904A>G has been observed in individuals affected with Hereditary Breast And Ovarian Cancer Syndrome (Cao_2016, Yao_2022). These reports do not provide unequivocal conclusions about association of the variant with Hereditary Breast And Ovarian Cancer Syndrome. To our knowledge, no experimental evidence demonstrating an impact on protein function has been reported. The following publications have been ascertained in the context of this evaluation (PMID: 30702160, 26852015, 31837001, 35186721). ClinVar contains an entry for this variant (Variation ID: 142030). Based on the evidence outlined above, the variant was classified as uncertain significance.

Color Diagnostics, LLC DBA Color Health
Classification: Uncertain significance for Hereditary cancer-predisposing syndrome. Last evaluated: 2025-06-11. Review status: criteria provided, single submitter. Criteria: ACMG Guidelines, 2015. Collection method: clinical testing. Allele origin: germline.
Comment: This missense variant replaces threonine with alanine at codon 1302 of the BRCA2 protein. Computational prediction suggests that this variant may not impact protein structure and function. To our knowledge, functional studies have not been reported for this variant. This variant has been reported in an individual affected with breast and/or ovarian cancer and an individual affected with prostate cancer (26852015, 31214711). In a large breast cancer case-control study conducted by the BRIDGES consortium, this variant was reported in 3/60466 cases and 2/53461 unaffected controls (OR= 1.326 (95%CI 0.222 to 7.938)p-value=1Leiden Open Variation Database DB-ID BRCA2_006843) (PMID: 33471991). This variant has not been identified in the general population by the Genome Aggregation Database (gnomAD). The available evidence is insufficient to determine the role of this variant in disease conclusively. Therefore, this variant is classified as a Variant of Uncertain Significance.

Labcorp Genetics (formerly Invitae), Labcorp
Classification: Uncertain significance for Hereditary breast ovarian cancer syndrome. Last evaluated: 2025-01-14. Review status: criteria provided, single submitter. Criteria: Invitae Variant Classification Sherloc (09022015). Collection method: clinical testing. Allele origin: germline.
Comment: This sequence change replaces threonine, which is neutral and polar, with alanine, which is neutral and non-polar, at codon 1302 of the BRCA2 protein (p.Thr1302Ala). This variant is not present in population databases (gnomAD no frequency). This missense change has been observed in individual(s) with a personal and/or family history of breast and/or ovarian cancer (PMID: 26852015). ClinVar contains an entry for this variant (Variation ID: 142030). Invitae Evidence Modeling of protein sequence and biophysical properties (such as structural, functional, and spatial information, amino acid conservation, physicochemical variation, residue mobility, and thermodynamic stability) indicates that this missense variant is not expected to disrupt BRCA2 protein function with a negative predictive value of 95%. In summary, the available evidence is currently insufficient to determine the role of this variant in disease. Therefore, it has been classified as a Variant of Uncertain Significance.

Ambry Genetics
Classification: Likely benign for Hereditary cancer-predisposing syndrome. Last evaluated: 2024-07-16. Review status: criteria provided, single submitter. Criteria: Ambry Variant Classification Scheme 2023. Collection method: clinical testing. Allele origin: germline.

University of Washington Department of Laboratory Medicine, University of Washington
Classification: Likely benign for Hereditary cancer-predisposing syndrome. Last evaluated: 2023-03-23. Review status: criteria provided, single submitter. Criteria: Dines et al. (Genet Med. 2020). Collection method: curation. Allele origin: germline.
Comment: Missense variant in a coldspot region where missense variants are very unlikely to be pathogenic (PMID:31911673).

BRCA2 exon 11 coldspot. Reclassification based on statistical prior probability.

Quest Diagnostics Nichols Institute San Juan Capistrano
Classification: Uncertain significance. Last evaluated: 2021-01-05. Review status: criteria provided, single submitter. Criteria: Quest Diagnostics criteria. Collection method: clinical testing. Allele origin: unknown.

GeneDx
Classification: Uncertain significance. Last evaluated: 2020-09-24. Review status: criteria provided, single submitter. Criteria: GeneDx Variant Classification Process June 2021. Collection method: clinical testing. Allele origin: germline. Affected: yes.
Comment: Not observed in large population cohorts (Lek et al., 2016); Observed in individuals with a personal and/or family history of breast and/or ovarian cancer (Cao 2016); In silico analysis supports that this missense variant has a deleterious effect on protein structure/function; Also known as 4132A>G; This variant is associated with the following publications: (PMID: 28726806, 26852015, 30702160, 31131967, 31825140)

Counsyl
Classification: Uncertain significance for Breast-ovarian cancer, familial, susceptibility to, 2. Last evaluated: 2018-02-06. Review status: no assertion criteria provided. Collection method: clinical testing. Allele origin: unknown. Not counted in ClinVar's aggregate classification.

Literature cited by the submitters: PubMed 26852015 (cited by 5 submitters); PubMed 30702160 (cited by 3 submitters); PubMed 31837001 (cited by Women's Health and Genetics/Laboratory Corporation of America, LabCorp); PubMed 35186721 (cited by Women's Health and Genetics/Laboratory Corporation of America, LabCorp); PubMed 33471991 (cited by Color Diagnostics, LLC DBA Color Health); PubMed 31825140 (cited by Ambry Genetics and Quest Diagnostics Nichols Institute San Juan Capistrano).